The following is an entry in ClinVar:

NM_001244008.2(KIF1A):c.3379A>C (p.Ile1127Leu)

Gene: KIF1A (kinesin family member 1A; minus strand). Cytogenetic location: 2q37.3.
Variant type: single nucleotide variant.
Coding change: c.3379A>C on transcript NM_001244008.2 (MANE Select); coding-DNA position 3379, A replaced by C.
Protein change: p.Ile1127Leu; replaces isoleucine 1127 with leucine.
Molecular consequence: missense variant.
Genome position (GRCh38, 1-based): chr2:240,745,513, T>G on the plus strand (A>C on the coding strand, the complement: KIF1A is on the minus strand). VCF-style: chr2-240745513-T-G. GRCh37 (hg19) VCF-style: chr2-241684930-T-G.
Other names: c.3103A>C, p.Ile1035Leu (NM_001320705.2, NM_001330289.2, NM_001379638.1); c.3178A>C, p.Ile1060Leu (NM_001330290.2, NM_001379634.1, NM_001379635.1 and 1 more transcripts); c.3454A>C, p.Ile1152Leu (NM_001379631.1); c.3328A>C, p.Ile1110Leu (NM_001379632.1); c.3352A>C, p.Ile1118Leu (NM_001379633.1, NM_001379642.1, NM_001379645.1); c.3076A>C, p.Ile1026Leu (NM_001379636.1, NM_001379639.1, NM_001379641.1 and 5 more transcripts); c.3151A>C, p.Ile1051Leu (NM_001379637.1, NM_001379648.1); c.3073A>C, p.Ile1025Leu (NM_001379640.1); short protein forms I1026L, I1152L, I1035L, I1110L, I1127L, I1025L, I1051L, I1060L.
Identifiers: ClinVar variation 1507508 (VCV001507508.8), dbSNP rs2125789013, ClinGen allele CA351317621.

ClinVar aggregate classification (germline): Uncertain significance (1 of 4 stars; one submission).

Conditions:
Hereditary spastic paraplegia 30. Identifiers: Orphanet 101010, MedGen C5235139, MONDO:0012476.
Neuropathy, hereditary sensory, type 2C. Also called: KIF1A-Related HSAN2 (HSAN2C); Hereditary sensory and autonomic neuropathy type IIC. Identifiers: Orphanet 970, MedGen C3280168, MONDO:0013634, OMIM 614213.
Intellectual disability, autosomal dominant 9 (NESCAVS). Also called: KIF1A-Related Neurodevelopmental Disorder; NESCAV SYNDROME. Identifiers: Orphanet 662367, MedGen C5393830, MONDO:0013656, OMIM 614255.

gnomAD v4.1: 1 of 1,610,566 alleles (0.000062%); no homozygotes.

Submission:

Labcorp Genetics (formerly Invitae), Labcorp
Classification: Uncertain significance for Hereditary spastic paraplegia 30; Neuropathy, hereditary sensory, type 2C; Intellectual disability, autosomal dominant 9. Last evaluated: 2021-03-29. Review status: criteria provided, single submitter. Criteria: Invitae Variant Classification Sherloc (09022015). Collection method: clinical testing. Allele origin: germline.
Comment: This sequence change replaces isoleucine with leucine at codon 1026 of the KIF1A protein (p.Ile1026Leu). The isoleucine residue is highly conserved and there is a small physicochemical difference between isoleucine and leucine. This variant is not present in population databases (ExAC no frequency). This variant has not been reported in the literature in individuals with KIF1A-related conditions. Advanced modeling of protein sequence and biophysical properties (such as structural, functional, and spatial information, amino acid conservation, physicochemical variation, residue mobility, and thermodynamic stability) performed at Invitae indicates that this missense variant is not expected to disrupt KIF1A protein function. In summary, the available evidence is currently insufficient to determine the role of this variant in disease. Therefore, it has been classified as a Variant of Uncertain Significance.